The following is an entry in ClinVar:

ClinVar aggregate classification (germline): Uncertain significance (1 of 4 stars; one submission).

Submission:

Ambry Genetics
Classification: Uncertain significance. Last evaluated: 2022-05-28. Review status: criteria provided, single submitter. Criteria: Ambry Variant Classification Scheme 2023. Collection method: clinical testing. Allele origin: germline.
Comment: The p.K1674N variant (also known as c.5022A>T), located in coding exon 44 of the KIF1B gene, results from an A to T substitution at nucleotide position 5022. The lysine at codon 1674 is replaced by asparagine, an amino acid with similar properties. This amino acid position is conserved. In addition, this alteration is predicted to be tolerated by in silico analysis. Since supporting evidence is limited at this time, the clinical significance of this alteration remains unclear.

NM_001365951.3(KIF1B):c.5160A>T (p.Lys1720Asn)

Gene: KIF1B (kinesin family member 1B; plus strand). Cytogenetic location: 1p36.22.
Variant type: single nucleotide variant.
Coding change: c.5160A>T on transcript NM_001365951.3 (MANE Select); coding-DNA position 5160, A replaced by T.
Protein change: p.Lys1720Asn; replaces lysine 1720 with asparagine.
Molecular consequence: missense variant.
Genome position (GRCh38, 1-based): chr1:10,374,917, A>T. VCF-style: chr1-10374917-A-T. GRCh37 (hg19) VCF-style: chr1-10434975-A-T.
Other names: c.5160A>T, p.Lys1720Asn (NM_001365952.1); c.5022A>T, p.Lys1674Asn (NM_015074.3); short protein forms K1674N, K1720N.
Identifiers: ClinVar variation 1744845 (VCV001744845.2), dbSNP rs2521982430, ClinGen allele CA338330607.